The following is an entry in ClinVar:

NM_002439.5(MSH3):c.3073G>A (p.Val1025Met)

Gene: MSH3 (mutS homolog 3; plus strand). Cytogenetic location: 5q14.1.
Variant type: single nucleotide variant.
Coding change: c.3073G>A on transcript NM_002439.5 (MANE Select); coding-DNA position 3073, G replaced by A.
Protein change: p.Val1025Met; replaces valine 1025 with methionine.
Molecular consequence: missense variant.
Genome position (GRCh38, 1-based): chr5:80,864,885, G>A. VCF-style: chr5-80864885-G-A. GRCh37 (hg19) VCF-style: chr5-80160704-G-A.
Other names: short protein forms V1025M.
Identifiers: ClinVar variation 647396 (VCV000647396.12), dbSNP rs375336744, ClinGen allele CA3328441.

ClinVar aggregate classification (germline): Uncertain significance. Review status: criteria provided, multiple submitters, no conflicts (2 of 4 stars). 3 submissions from 3 submitters: Uncertain significance (3). Last evaluated 2025-12-10.

Conditions:
Endometrial carcinoma. Also called: Endometrial carcinoma, somatic. Identifiers: MedGen C0476089, MONDO:0002447, OMIM 608089, HP:0012114.
Familial adenomatous polyposis 4 (FAP4). Also called: MSH3-related attenuated familial adenomatous polyposis. Identifiers: Orphanet 480536, MedGen C4310719, MONDO:0044300, OMIM 617100.
Hereditary cancer-predisposing syndrome. Also called: Hereditary Cancer Syndrome; Tumor predisposition; Hereditary neoplastic syndrome; Neoplastic Syndromes, Hereditary. Identifiers: Orphanet 140162, MedGen C0027672, MeSH D009386, MONDO:0015356.

Allele frequency attached by ClinVar (database versions not stated): TOPMed 0.00002; gnomAD 0.00005 and 0.00006; ESP Exome Variant Server 0.00015.
gnomAD v4.1: 10 of 1,613,660 alleles (0.00062%); highest among the groups gnomAD compares: African/African-American, 0.011%; no homozygotes.

Submissions (3):

Labcorp Genetics (formerly Invitae), Labcorp
Classification: Uncertain significance. Last evaluated: 2025-12-10. Review status: criteria provided, single submitter. Criteria: Invitae Variant Classification Sherloc (09022015). Collection method: clinical testing. Allele origin: germline.
Comment: This sequence change replaces valine, which is neutral and non-polar, with methionine, which is neutral and non-polar, at codon 1025 of the MSH3 protein (p.Val1025Met). This variant is present in population databases (rs375336744, gnomAD 0.02%). This variant has not been reported in the literature in individuals affected with MSH3-related conditions. ClinVar contains an entry for this variant (Variation ID: 647396). An algorithm developed to predict the effect of missense changes on protein structure and function (PolyPhen-2) suggests that this variant is likely to be disruptive. In summary, the available evidence is currently insufficient to determine the role of this variant in disease. Therefore, it has been classified as a Variant of Uncertain Significance.

Ambry Genetics
Classification: Uncertain significance for Hereditary cancer-predisposing syndrome. Last evaluated: 2025-02-14. Review status: criteria provided, single submitter. Criteria: Ambry Variant Classification Scheme 2023. Collection method: clinical testing. Allele origin: germline.
Comment: The p.V1025M variant (also known as c.3073G>A), located in coding exon 22 of the MSH3 gene, results from a G to A substitution at nucleotide position 3073. The valine at codon 1025 is replaced by methionine, an amino acid with highly similar properties. This amino acid position is highly conserved in available vertebrate species. In addition, this alteration is predicted to be deleterious by in silico analysis. Based on the available evidence, the clinical significance of this variant remains unclear.

Fulgent Genetics
Classification: Uncertain significance for Endometrial carcinoma; Familial adenomatous polyposis 4. Last evaluated: 2024-01-26. Review status: criteria provided, single submitter. Criteria: ACMG Guidelines, 2015. Collection method: clinical testing. Allele origin: germline.